The following is an entry in ClinVar:

NM_001367624.2(ZNF469):c.10716C>A (p.Asp3572Glu)

Gene: ZNF469 (zinc finger protein 469; plus strand). Cytogenetic location: 16q24.2.
Variant type: single nucleotide variant.
Coding change: c.10716C>A on transcript NM_001367624.2 (MANE Select); coding-DNA position 10716, C replaced by A.
Protein change: p.Asp3572Glu; replaces aspartic acid 3572 with glutamic acid.
Molecular consequence: missense variant.
Genome position (GRCh38, 1-based): chr16:88,438,186, C>A. VCF-style: chr16-88438186-C-A. GRCh37 (hg19) VCF-style: chr16-88504594-C-A.
Other names: short protein forms D3572E.
Identifiers: ClinVar variation 4819957 (VCV004819957.2).

ClinVar aggregate classification (germline): Uncertain significance (1 of 4 stars; one submission).

Conditions:
Varicose disease. Also called: Varicose veins. Identifiers: MedGen C0042345, MONDO:0008638, OMIM 192200, HP:0002619.

gnomAD v4.1: 1 of 1,548,826 alleles (0.000065%); highest among the groups gnomAD compares: Non-Finnish European, 0.000087%; no homozygotes.

Submission:

Petrovsky National Research Centre of Surgery, The Federal Agency for Scientific Organizations
Classification: Uncertain significance for Varicose disease. Last evaluated: 2026-07-02. Review status: criteria provided, single submitter. Criteria: ACMG Guidelines, 2015. Collection method: clinical testing. Allele origin: germline. Affected: yes. Observed: 1 variant allele.
Comment: The NM_001367624.2:c.10716C>A variant is in The Genome Aggregation Database (gnomAD) v4.1.1 with total 0.0000006457. (Date of access 2026-03-24). This variant has not been reported in any study to our knowledge. In silico prediction shows benign result of the protein change (REVEL score is 0.012). In accordance with ACMG(2015) criteria this variant is classified as Variant of Uncertain Significance (VUS) with following criteria selected: PM2, BP4.